The following is an entry in ClinVar:

ClinVar aggregate classification (germline): Uncertain significance. Review status: criteria provided, multiple submitters, no conflicts (2 of 4 stars). 4 submissions from 4 submitters: Uncertain significance (4). Last evaluated 2026-01-28.

Conditions:
Hereditary cancer-predisposing syndrome. Also called: Neoplastic Syndromes, Hereditary; Hereditary neoplastic syndrome; Hereditary Cancer Syndrome; Tumor predisposition. Identifiers: Orphanet 140162, MedGen C0027672, MeSH D009386, MONDO:0015356.
POLD1-related polyposis and colorectal cancer syndrome (CRCS10). Also called: Colorectal cancer, susceptibility to, 10; Colorectal cancer 10; COLORECTAL CANCER, SUSCEPTIBILITY TO, ON CHROMOSOME 19q. Identifiers: Orphanet 220460, MedGen C2675481, MONDO:0012953, OMIM 612591.

Allele frequency attached by ClinVar (database versions not stated): gnomAD 0.00001; gnomAD exomes 0.00001; TOPMed 0.00001.
gnomAD v4.1: 7 of 1,596,494 alleles (0.00044%); highest among the groups gnomAD compares: Admixed American, 0.0086%; no homozygotes.

Submissions (4):

Labcorp Genetics (formerly Invitae), Labcorp
Classification: Uncertain significance for POLD1-related polyposis and colorectal cancer syndrome. Last evaluated: 2026-01-28. Review status: criteria provided, single submitter. Criteria: Invitae Variant Classification Sherloc (09022015). Collection method: clinical testing. Allele origin: germline.
Comment: This sequence change affects codon 796 of the POLD1 mRNA. It is a 'silent' change, meaning that it does not change the encoded amino acid sequence of the POLD1 protein. RNA analysis indicates that this variant induces altered splicing and likely results in a shortened protein product. This variant is present in population databases (no rsID available, gnomAD 0.01%). This variant has not been reported in the literature in individuals affected with POLD1-related conditions. ClinVar contains an entry for this variant (Variation ID: 407971). An algorithm developed to predict the effect of missense changes on protein structure and function (PolyPhen-2) suggests that this variant is likely to be disruptive. Variants that disrupt the consensus splice site are a relatively common cause of aberrant splicing (PMID: 17576681, 9536098). Studies have shown that this variant results in skipping of exon 19, but is expected to preserve the integrity of the reading-frame (internal data). In summary, the available evidence is currently insufficient to determine the role of this variant in disease. Therefore, it has been classified as a Variant of Uncertain Significance.

Ambry Genetics
Classification: Uncertain significance for Hereditary cancer-predisposing syndrome. Last evaluated: 2025-12-09. Review status: criteria provided, single submitter. Criteria: Ambry Variant Classification Scheme 2023. Collection method: clinical testing. Allele origin: germline.
Comment: The c.2388G>C variant (also known as p.K796N), located in coding exon 18 of the POLD1 gene, results from a G to C substitution at nucleotide position 2388. The amino acid change results in lysine to asparagine at codon 796, an amino acid with similar properties. However, this change occurs in the last base pair of coding exon 18, which makes it likely to have some effect on normal mRNA splicing. This nucleotide position is well conserved in available vertebrate species. This amino acid position is highly conserved in available vertebrate species. In silico splice site analysis predicts that this alteration may result in the creation or strengthening of a novel splice donor site; however, direct evidence is insufficient at this time (Ambry internal data). In addition, this alteration is predicted to be tolerated by in silico analysis. Based on the available evidence, the clinical significance of this variant remains unclear.

GeneDx
Classification: Uncertain significance. Last evaluated: 2025-06-13. Review status: criteria provided, single submitter. Criteria: GeneDx Variant Classification Process June 2021. Collection method: clinical testing. Allele origin: germline.
Comment: Not observed at significant frequency in large population cohorts (gnomAD); In silico analysis supports that this missense variant has a deleterious effect on protein structure/function; Has not been previously published as pathogenic or benign to our knowledge; In silico analysis suggests this variant may impact gene splicing. In the absence of RNA/functional studies, the actual effect of this sequence change is unknown.; This variant is associated with the following publications: (PMID: 20951805)

Quest Diagnostics Nichols Institute San Juan Capistrano
Classification: Uncertain significance. Last evaluated: 2018-04-16. Review status: criteria provided, single submitter. Criteria: Quest Diagnostics criteria. Collection method: clinical testing. Allele origin: germline.

Literature cited by the submitters: PubMed 17576681 (cited by Labcorp Genetics (formerly Invitae), Labcorp); PubMed 9536098 (cited by Labcorp Genetics (formerly Invitae), Labcorp).

NM_002691.4(POLD1):c.2388G>C (p.Lys796Asn)

Gene: POLD1 (DNA polymerase delta 1, catalytic subunit; plus strand). Cytogenetic location: 19q13.33.
Variant type: single nucleotide variant.
Coding change: c.2388G>C on transcript NM_002691.4 (MANE Select); coding-DNA position 2388, G replaced by C.
Protein change: p.Lys796Asn; replaces lysine 796 with asparagine.
Molecular consequence: missense variant. On other transcripts: non-coding transcript variant (1).
Genome position (GRCh38, 1-based): chr19:50,413,879, G>C. VCF-style: chr19-50413879-G-C. GRCh37 (hg19) VCF-style: chr19-50917136-G-C.
Other names: c.2388G>C, p.Lys796Asn (NM_001256849.1); c.2466G>C, p.Lys822Asn (NM_001308632.1); c.2388G>C (NM_002691.2); short protein forms K796N, K822N.
Identifiers: ClinVar variation 407971 (VCV000407971.13), dbSNP rs1060501806, ClinGen allele CA16616164.
Genomic context (GRCh38, chr19:50,413,879, plus strand): 5'-GGAGGCCGCGGACTGGGTGTCAGGTCACTTCCCGTCGCCCATCCGGCTGGAGTTTGAGAA[G>C]GTGCGTGGCTGGGTCAGGGGCTCTGCATTTAGGTGCCCTCATCAGGGTACTCAGGGTGTC-3'
Protein context (NP_002682.2, residues 786-806): FPSPIRLEFE[Lys796Asn]VYFPYLLISK